The following is an entry in ClinVar:

ClinVar aggregate classification (germline): Uncertain significance (1 of 4 stars; one submission).

Submission:

Labcorp Genetics (formerly Invitae), Labcorp
Classification: Uncertain significance. Last evaluated: 2020-04-27. Review status: criteria provided, single submitter. Criteria: Invitae Variant Classification Sherloc (09022015). Collection method: clinical testing. Allele origin: germline.
Comment: In summary, the available evidence is currently insufficient to determine the role of this variant in disease. Therefore, it has been classified as a Variant of Uncertain Significance. Algorithms developed to predict the effect of sequence changes on RNA splicing suggest that this variant may create or strengthen a splice site, but this prediction has not been confirmed by published transcriptional studies. Experimental studies and prediction algorithms are not available or were not evaluated, and the functional significance of this variant is currently unknown. This variant has not been reported in the literature in individuals with COL11A1-related conditions. This variant is not present in population databases (ExAC no frequency). This sequence change replaces glycine with serine at codon 862 of the COL11A1 protein (p.Gly862Ser). The glycine residue is highly conserved and there is a small physicochemical difference between glycine and serine.

NM_001854.4(COL11A1):c.2584G>A (p.Gly862Ser)

Gene: COL11A1 (collagen type XI alpha 1 chain; minus strand). Cytogenetic location: 1p21.1.
Variant type: single nucleotide variant.
Coding change: c.2584G>A on transcript NM_001854.4 (MANE Select); coding-DNA position 2584, G replaced by A.
Protein change: p.Gly862Ser; replaces glycine 862 with serine.
Molecular consequence: missense variant. On other transcripts: non-coding transcript variant (1).
Genome position (GRCh38, 1-based): chr1:102,979,408, C>T on the plus strand (G>A on the coding strand, the complement: COL11A1 is on the minus strand). VCF-style: chr1-102979408-C-T. GRCh37 (hg19) VCF-style: chr1-103444964-C-T.
Other names: c.2467G>A, p.Gly823Ser (NM_001190709.2); c.2620G>A, p.Gly874Ser (NM_080629.3); c.2236G>A, p.Gly746Ser (NM_080630.4); short protein forms G746S, G823S, G862S, G874S.
Identifiers: ClinVar variation 1012019 (VCV001012019.8), dbSNP rs1662819143, ClinGen allele CA341164052.